The following is an entry in ClinVar:

ClinVar aggregate classification (germline): Conflicting classifications of pathogenicity. Review status: criteria provided, conflicting classifications (1 of 4 stars). 6 submissions from 6 submitters: Uncertain significance (1); Likely benign (5). Last evaluated 2026-01-25.

Conditions:
MYO15A-related disorder. Also called: MYO15A-related condition.
Autosomal recessive nonsyndromic hearing loss 3. Also called: NEUROSENSORY NONSYNDROMIC RECESSIVE DEAFNESS 3. Identifiers: Orphanet 90636, MedGen C1838263, MONDO:0010860, OMIM 600316.

Allele frequency attached by ClinVar (database versions not stated): gnomAD exomes 0.00014 and 0.00023; ExAC 0.00015; gnomAD 0.00016 and 0.00017; TOPMed 0.00017; ESP Exome Variant Server 0.00040.

Submissions (6):

Labcorp Genetics (formerly Invitae), Labcorp
Classification: Likely benign. Last evaluated: 2026-01-25. Review status: criteria provided, single submitter. Criteria: Invitae Variant Classification Sherloc (09022015). Collection method: clinical testing. Allele origin: germline.

PreventionGenetics, part of Exact Sciences
Classification: Likely benign for MYO15A-related condition. Last evaluated: 2025-04-12. Review status: criteria provided, single submitter. Criteria: ACMG Guidelines, 2015. Collection method: clinical testing. Allele origin: germline.
Comment: This variant is classified as likely benign based on ACMG/AMP sequence variant interpretation guidelines (Richards et al. 2015 PMID: 25741868, with internal and published modifications).

Blueprint Genetics
Classification: Likely benign. Last evaluated: 2024-10-02. Review status: criteria provided, single submitter. Criteria: ACMG Guidelines, 2015. Collection method: clinical testing. Allele origin: germline.

CeGaT Center for Human Genetics Tuebingen
Classification: Likely benign. Last evaluated: 2021-11-01. Review status: criteria provided, single submitter. Criteria: CeGaT Center For Human Genetics Tuebingen Variant Classification Criteria Version 2. Collection method: clinical testing. Allele origin: germline. Affected: yes. Observed: 1 variant allele.

Illumina Laboratory Services, Illumina
Classification: Uncertain significance for Autosomal recessive nonsyndromic hearing loss 3. Last evaluated: 2018-01-13. Review status: criteria provided, single submitter. Criteria: ICSL Variant Classification Criteria 13 December 2019. Collection method: clinical testing. Allele origin: germline.

Laboratory for Molecular Medicine, Mass General Brigham Personalized Medicine
Classification: Likely benign. Last evaluated: 2015-07-30. Review status: criteria provided, single submitter. Criteria: LMM Criteria. Collection method: clinical testing. Allele origin: germline. Observed: 2 variant alleles.
Comment: p.Ala2020Ala in Exon 28 of MYO15A: This variant is not expected to have clinical significance because it does not alter an amino acid residue, is not located wi thin the splice consensus sequence, and has been identified in 7/ 22590 of Europ ean (Non-Finnish) chromosomes by the Exome Aggregation Consortium (ExAC).

NM_016239.4(MYO15A):c.6060C>T (p.Ala2020=)

Gene: MYO15A (myosin XVA; plus strand). Cytogenetic location: 17p11.2.
Variant type: single nucleotide variant.
Coding change: c.6060C>T on transcript NM_016239.4 (MANE Select); coding-DNA position 6060, C replaced by T.
Protein change: p.Ala2020=; no amino-acid change (alanine 2020 retained).
Molecular consequence: synonymous variant.
Genome position (GRCh38, 1-based): chr17:18,143,883, C>T. VCF-style: chr17-18143883-C-T. GRCh37 (hg19) VCF-style: chr17-18047197-C-T.
Identifiers: ClinVar variation 227646 (VCV000227646.51), dbSNP rs370091178, ClinGen allele CA8424491.
Genomic context (GRCh38, chr17:18,143,883, plus strand): 5'-GCCCAGGCAGATCAGAGCAGGCACCGCATTCCCTCCTCTTTCCACAGGCCTCGGGCTGGC[C>T]CAGGTGCCTCAGGTGGCCCCTGTGAGGACTCCTCGACTCCAGGCTGAGCCCCGTGTCACA-3'
Protein context (NP_057323.3, residues 2010-2030): LLQAVAGLGL[Ala2020=]QVPQVAPVRT